The following is an entry in ClinVar:

ClinVar aggregate classification (germline): Likely benign. Review status: criteria provided, single submitter (1 of 4 stars). 2 submissions from 2 submitters: Likely benign (1). 1 of the submissions does not count toward it. Last evaluated 2024-08-29.

Conditions:
Bardet-Biedl syndrome (BBS). Identifiers: Orphanet 110, MedGen C0752166, MONDO:0015229.
BBS10-related disorder. Also called: BBS10-related condition.

Allele frequency attached by ClinVar (database versions not stated): gnomAD 0.00001; gnomAD exomes 0.00001 and 0.00002; ExAC 0.00002; 1000 Genomes Project 30x 0.00016; 1000 Genomes Project 0.00020.
gnomAD v4.1: 10 of 1,613,852 alleles (0.00062%); highest among the groups gnomAD compares: South Asian, 0.0088%; no homozygotes.

Submissions (2):

Labcorp Genetics (formerly Invitae), Labcorp
Classification: Likely benign for Bardet-Biedl syndrome. Last evaluated: 2024-08-29. Review status: criteria provided, single submitter. Criteria: Invitae Variant Classification Sherloc (09022015). Collection method: clinical testing. Allele origin: germline.

PreventionGenetics, part of Exact Sciences
Classification: Likely benign for BBS10-related condition. Last evaluated: 2022-07-05. Review status: no assertion criteria provided. Collection method: clinical testing. Allele origin: germline. Not counted in ClinVar's aggregate classification.
Comment: This variant is classified as likely benign based on ACMG/AMP sequence variant interpretation guidelines (Richards et al. 2015 PMID: 25741868, with internal and published modifications).

NM_024685.4(BBS10):c.450T>C (p.Ser150=)

Gene: BBS10 (Bardet-Biedl syndrome 10; minus strand). Cytogenetic location: 12q21.2.
Variant type: single nucleotide variant.
Coding change: c.450T>C on transcript NM_024685.4 (MANE Select); coding-DNA position 450, T replaced by C.
Protein change: p.Ser150=; no amino-acid change (serine 150 retained).
Molecular consequence: synonymous variant.
Genome position (GRCh38, 1-based): chr12:76,347,535, A>G on the plus strand (T>C on the coding strand, the complement: BBS10 is on the minus strand). VCF-style: chr12-76347535-A-G. GRCh37 (hg19) VCF-style: chr12-76741315-A-G.
Other names: c.450T>C (NM_024685.3).
Identifiers: ClinVar variation 1118376 (VCV001118376.10), dbSNP rs573346325, ClinGen allele CA6694341.